The following is an entry in ClinVar:

ClinVar aggregate classification (germline): Uncertain significance. Review status: criteria provided, multiple submitters, no conflicts (2 of 4 stars). 2 submissions from 2 submitters: Uncertain significance (2). Last evaluated 2024-10-01.

Conditions:
Majeed syndrome (MJDS). Also called: LPIN2-Related Majeed Syndrome; CHRONIC RECURRENT MULTIFOCAL OSTEOMYELITIS 1, WITH CONGENITAL DYSERYTHROPOIETIC ANEMIA, WITH OR WITHOUT NEUTROPHILIC DERMATOSIS. Identifiers: Orphanet 77297, MedGen C1864997, MONDO:0012316, OMIM 609628.

Allele frequency attached by ClinVar (database versions not stated): TOPMed below 0.00001.
gnomAD v4.1: 7 of 1,614,092 alleles (0.00043%); highest among the groups gnomAD compares: African/African-American, 0.0013%; no homozygotes.

Submissions (2):

Revvity Omics, Revvity
Classification: Uncertain significance for Majeed syndrome. Last evaluated: 2024-10-01. Review status: criteria provided, single submitter. Criteria: ACMG Guidelines, 2015. Collection method: clinical testing. Allele origin: germline.

Labcorp Genetics (formerly Invitae), Labcorp
Classification: Uncertain significance for Majeed syndrome. Last evaluated: 2022-08-15. Review status: criteria provided, single submitter. Criteria: Invitae Variant Classification Sherloc (09022015). Collection method: clinical testing. Allele origin: germline.
Comment: In summary, the available evidence is currently insufficient to determine the role of this variant in disease. Therefore, it has been classified as a Variant of Uncertain Significance. Algorithms developed to predict the effect of missense changes on protein structure and function output the following: SIFT: "Tolerated"; PolyPhen-2: "Benign"; Align-GVGD: "Class C0". The valine amino acid residue is found in multiple mammalian species, which suggests that this missense change does not adversely affect protein function. ClinVar contains an entry for this variant (Variation ID: 1469891). This variant has not been reported in the literature in individuals affected with LPIN2-related conditions. This variant is not present in population databases (gnomAD no frequency). This sequence change replaces alanine, which is neutral and non-polar, with valine, which is neutral and non-polar, at codon 799 of the LPIN2 protein (p.Ala799Val).

NM_001375808.2(LPIN2):c.2396C>T (p.Ala799Val)

Gene: LPIN2 (lipin 2; minus strand). Cytogenetic location: 18p11.31.
Variant type: single nucleotide variant.
Coding change: c.2396C>T on transcript NM_001375808.2 (MANE Select); coding-DNA position 2396, C replaced by T.
Protein change: p.Ala799Val; replaces alanine 799 with valine.
Molecular consequence: missense variant.
Genome position (GRCh38, 1-based): chr18:2,921,579, G>A on the plus strand (C>T on the coding strand, the complement: LPIN2 is on the minus strand). VCF-style: chr18-2921579-G-A. GRCh37 (hg19) VCF-style: chr18-2921577-G-A.
Other names: c.2396C>T, p.Ala799Val (NM_001375809.1, NM_014646.2); short protein forms A799V.
Identifiers: ClinVar variation 1469891 (VCV001469891.5), dbSNP rs2077055023, ClinGen allele CA401695796.